The following is an entry in ClinVar:

NM_138694.4(PKHD1):c.6216T>G (p.Pro2072=)

Gene: PKHD1 (PKHD1 ciliary IPT domain containing fibrocystin/polyductin; minus strand). Cytogenetic location: 6p12.2.
Variant type: single nucleotide variant.
Coding change: c.6216T>G on transcript NM_138694.4 (MANE Select); coding-DNA position 6216, T replaced by G.
Protein change: p.Pro2072=; no amino-acid change (proline 2072 retained).
Molecular consequence: synonymous variant.
Genome position (GRCh38, 1-based): chr6:51,912,482, A>C on the plus strand (T>G on the coding strand, the complement: PKHD1 is on the minus strand). VCF-style: chr6-51912482-A-C. GRCh37 (hg19) VCF-style: chr6-51777280-A-C.
Other names: c.6216T>G, p.Pro2072= (NM_170724.3).
Identifiers: ClinVar variation 197050 (VCV000197050.18), dbSNP rs148817026, ClinGen allele CA244961.
Genomic context (GRCh38, chr6:51,912,482, plus strand): 5'-CTCTTCCATCGGTTTGGCACCTTTAACACCTGTTCCACTGATGATGACAACTTCATCCCC[A>C]GGGTTCCAGTCCACAGCATCTTCTAAAGCCAGCACTGTGTCTAGGGCATGGGCAGTTGCT-3'
Protein context (NP_619639.3, residues 2062-2082): LALEDAVDWN[Pro2072=]GDEVVIISGT

ClinVar aggregate classification (germline): Conflicting classifications of pathogenicity. Review status: criteria provided, conflicting classifications (1 of 4 stars). 5 submissions from 5 submitters: Uncertain significance (1); Likely benign (3). 1 of the submissions does not count toward it. Last evaluated 2026-01-29.

Conditions:
PKHD1-related disorder. Also called: PKHD1-related condition.
Autosomal recessive polycystic kidney disease (ARPKD). Also called: AR polycystic kidney disease. Identifiers: Orphanet 731, Orphanet 8378, MedGen C0085548, MeSH D017044, MONDO:0009889.

Allele frequency attached by ClinVar (database versions not stated): gnomAD exomes 0.00004 and 0.00010; ExAC 0.00012; gnomAD 0.00024 and 0.00025; ESP Exome Variant Server 0.00031; TOPMed 0.00033; 1000 Genomes Project 0.00060; 1000 Genomes Project 30x 0.00062.
gnomAD v4.1: 89 of 1,612,700 alleles (0.0055%); highest among the groups gnomAD compares: African/African-American, 0.091%; no homozygotes.

Submissions (5):

PreventionGenetics, part of Exact Sciences
Classification: Likely benign for PKHD1-related condition. Last evaluated: 2026-01-29. Review status: criteria provided, single submitter. Criteria: ACMG Guidelines, 2015. Collection method: clinical testing. Allele origin: germline.
Comment: This variant is classified as likely benign based on ACMG/AMP sequence variant interpretation guidelines (Richards et al. 2015 PMID: 25741868, with internal and published modifications).

Labcorp Genetics (formerly Invitae), Labcorp
Classification: Likely benign for Autosomal recessive polycystic kidney disease. Last evaluated: 2026-01-22. Review status: criteria provided, single submitter. Criteria: Invitae Variant Classification Sherloc (09022015). Collection method: clinical testing. Allele origin: germline.

Blueprint Genetics
Classification: Likely benign. Last evaluated: 2024-08-12. Review status: criteria provided, single submitter. Criteria: ACMG Guidelines, 2015. Collection method: clinical testing. Allele origin: germline.

Eurofins Ntd Llc (ga)
Classification: Uncertain significance. Last evaluated: 2018-08-22. Review status: criteria provided, single submitter. Criteria: EGL ClinVar v180209 classification definitions. Collection method: clinical testing. Allele origin: germline. Observed: 4 variant alleles, 4 heterozygotes.

Natera, Inc.
Classification: Uncertain significance for Autosomal recessive polycystic kidney disease. Last evaluated: 2019-06-24. Review status: no assertion criteria provided. Collection method: clinical testing. Allele origin: germline. Not counted in ClinVar's aggregate classification.